The following is an entry in ClinVar:

ClinVar aggregate classification (germline): Likely benign (1 of 4 stars; one submission).

Submission:

GeneDx
Classification: Likely benign. Last evaluated: 2023-07-20. Review status: criteria provided, single submitter. Criteria: GeneDx Variant Classification Process June 2021. Collection method: clinical testing. Allele origin: germline. Affected: yes.
Comment: See Variant Classification Assertion Criteria.

NM_000090.4(COL3A1):c.283-7T>G

Gene: COL3A1 (collagen type III alpha 1 chain; plus strand). Cytogenetic location: 2q32.2.
Variant type: single nucleotide variant.
Coding change: c.283-7T>G on transcript NM_000090.4 (MANE Select); 7 bases into the intron before coding-DNA position 283, T replaced by G.
Molecular consequence: intron variant.
Genome position (GRCh38, 1-based): chr2:188,985,190, T>G. VCF-style: chr2-188985190-T-G. GRCh37 (hg19) VCF-style: chr2-189849916-T-G.
Identifiers: ClinVar variation 2574259 (VCV002574259.1), dbSNP rs2469107085, ClinGen allele CA2580616650.